The following is an entry in ClinVar:

ClinVar aggregate classification (germline): Conflicting classifications of pathogenicity. Review status: criteria provided, conflicting classifications (1 of 4 stars). 2 submissions from 2 submitters: Uncertain significance (1); Likely benign (1). Last evaluated 2025-10-06.

Conditions:
Hereditary cancer-predisposing syndrome. Also called: Neoplastic Syndromes, Hereditary; Tumor predisposition; Hereditary Cancer Syndrome; Hereditary neoplastic syndrome. Identifiers: Orphanet 140162, MedGen C0027672, MeSH D009386, MONDO:0015356.
POLD1-related polyposis and colorectal cancer syndrome (CRCS10). Also called: Colorectal cancer 10; COLORECTAL CANCER, SUSCEPTIBILITY TO, ON CHROMOSOME 19q; Colorectal cancer, susceptibility to, 10. Identifiers: Orphanet 220460, MedGen C2675481, MONDO:0012953, OMIM 612591.

Submissions (2):

Ambry Genetics
Classification: Likely benign for Hereditary cancer-predisposing syndrome. Last evaluated: 2025-10-06. Review status: criteria provided, single submitter. Criteria: Ambry Variant Classification Scheme 2023. Collection method: clinical testing. Allele origin: germline.

Labcorp Genetics (formerly Invitae), Labcorp
Classification: Uncertain significance for POLD1-related polyposis and colorectal cancer syndrome. Last evaluated: 2023-04-28. Review status: criteria provided, single submitter. Criteria: Invitae Variant Classification Sherloc (09022015). Collection method: clinical testing. Allele origin: germline.
Comment: In summary, the available evidence is currently insufficient to determine the role of this variant in disease. Therefore, it has been classified as a Variant of Uncertain Significance. Variants that disrupt the consensus splice site are a relatively common cause of aberrant splicing (PMID: 17576681, 9536098). An algorithm developed to predict the effect of missense changes on protein structure and function (PolyPhen-2) suggests that this variant is likely to be tolerated. This variant has not been reported in the literature in individuals affected with POLD1-related conditions. This variant is not present in population databases (gnomAD no frequency). This sequence change replaces arginine, which is basic and polar, with lysine, which is basic and polar, at codon 669 of the POLD1 protein (p.Arg669Lys). This variant also falls at the last nucleotide of exon 16, which is part of the consensus splice site for this exon.

Literature cited by the submitters: PubMed 17576681 (cited by Labcorp Genetics (formerly Invitae), Labcorp); PubMed 9536098 (cited by Labcorp Genetics (formerly Invitae), Labcorp).

NM_002691.4(POLD1):c.2006G>A (p.Arg669Lys)

Gene: POLD1 (DNA polymerase delta 1, catalytic subunit; plus strand). Cytogenetic location: 19q13.33.
Variant type: single nucleotide variant.
Coding change: c.2006G>A on transcript NM_002691.4 (MANE Select); coding-DNA position 2006, G replaced by A.
Protein change: p.Arg669Lys; replaces arginine 669 with lysine.
Molecular consequence: missense variant. On other transcripts: non-coding transcript variant (1).
Genome position (GRCh38, 1-based): chr19:50,409,235, G>A. VCF-style: chr19-50409235-G-A. GRCh37 (hg19) VCF-style: chr19-50912492-G-A.
Other names: c.2006G>A, p.Arg669Lys (NM_001256849.1); c.2084G>A, p.Arg695Lys (NM_001308632.1); c.2006G>A (NM_002691.2); short protein forms R695K, R669K.
Identifiers: ClinVar variation 2859963 (VCV002859963.4), dbSNP rs2514016082, ClinGen allele CA406982420.